The following is an entry in ClinVar:

ClinVar aggregate classification (germline): Uncertain significance (1 of 4 stars; one submission).

gnomAD v4.1: 1 of 1,614,220 alleles (0.000062%); no homozygotes.

Submission:

Labcorp Genetics (formerly Invitae), Labcorp
Classification: Uncertain significance. Last evaluated: 2024-04-08. Review status: criteria provided, single submitter. Criteria: Invitae Variant Classification Sherloc (09022015). Collection method: clinical testing. Allele origin: germline.
Comment: This sequence change replaces serine, which is neutral and polar, with glycine, which is neutral and non-polar, at codon 37 of the HIVEP2 protein (p.Ser37Gly). This variant is present in population databases (no rsID available, gnomAD 0.0009%). This variant has not been reported in the literature in individuals affected with HIVEP2-related conditions. Advanced modeling of protein sequence and biophysical properties (such as structural, functional, and spatial information, amino acid conservation, physicochemical variation, residue mobility, and thermodynamic stability) has been performed at Invitae for this missense variant, however the output from this modeling did not meet the statistical confidence thresholds required to predict the impact of this variant on HIVEP2 protein function. In summary, the available evidence is currently insufficient to determine the role of this variant in disease. Therefore, it has been classified as a Variant of Uncertain Significance.

NM_006734.4(HIVEP2):c.109A>G (p.Ser37Gly)

Gene: HIVEP2 (HIVEP zinc finger 2; minus strand). Cytogenetic location: 6q24.2.
Variant type: single nucleotide variant.
Coding change: c.109A>G on transcript NM_006734.4 (MANE Select); coding-DNA position 109, A replaced by G.
Protein change: p.Ser37Gly; replaces serine 37 with glycine.
Molecular consequence: missense variant.
Genome position (GRCh38, 1-based): chr6:142,774,630, T>C on the plus strand (A>G on the coding strand, the complement: HIVEP2 is on the minus strand). VCF-style: chr6-142774630-T-C. GRCh37 (hg19) VCF-style: chr6-143095767-T-C.
Other names: short protein forms S37G.
Identifiers: ClinVar variation 3682716 (VCV003682716.2).